The following is an entry in ClinVar:

NM_021098.3(CACNA1H):c.1192T>G (p.Tyr398Asp)

Gene: CACNA1H (calcium voltage-gated channel subunit alpha1 H; plus strand). Cytogenetic location: 16p13.3.
Variant type: single nucleotide variant.
Coding change: c.1192T>G on transcript NM_021098.3 (MANE Select); coding-DNA position 1192, T replaced by G.
Protein change: p.Tyr398Asp; replaces tyrosine 398 with aspartic acid.
Molecular consequence: missense variant.
Genome position (GRCh38, 1-based): chr16:1,200,788, T>G. VCF-style: chr16-1200788-T-G. GRCh37 (hg19) VCF-style: chr16-1250788-T-G.
Other names: c.1192T>G, p.Tyr398Asp (NM_001005407.2); short protein forms Y398D.
Identifiers: ClinVar variation 5017602 (VCV005017602.1).
Genomic context (GRCh38, chr16:1,200,788, plus strand): 5'-GAAGGCTGGGTGGACATCATGTACTACGTCATGGACGCCCACTCATTCTACAACTTCATC[T>G]ATTTCATCCTGCTCATCATCGTGAGTGTGGGCGGCAGTGTTCGCCATGATGGGCCCTGGT-3'
Protein context (NP_066921.2, residues 388-408): MDAHSFYNFI[Tyr398Asp]FILLIIVGSF

ClinVar aggregate classification (germline): Uncertain significance (1 of 4 stars; one submission).

Submission:

GeneDx
Classification: Uncertain significance. Last evaluated: 2026-03-26. Review status: criteria provided, single submitter. Criteria: GeneDx Variant Classification Process June 2021. Collection method: clinical testing. Allele origin: germline.
Comment: Not observed at significant frequency in large population cohorts (gnomAD); In silico analysis supports that this missense variant has a deleterious effect on protein structure/function; Has not been previously published as pathogenic or benign to our knowledge